The following is an entry in ClinVar:

ClinVar aggregate classification (germline): Pathogenic (1 of 4 stars; one submission).

Submission:

GeneDx
Classification: Pathogenic. Last evaluated: 2026-01-28. Review status: criteria provided, single submitter. Criteria: GeneDx Variant Classification Process June 2021. Collection method: clinical testing. Allele origin: germline.
Comment: Not observed at significant frequency in large population cohorts (gnomAD); In silico analysis supports that this missense variant has a deleterious effect on protein structure/function; Has not been previously published as pathogenic or benign to our knowledge

NM_001791.4(CDC42):c.68A>C (p.Tyr23Ser)

Gene: CDC42 (cell division cycle 42; plus strand). Cytogenetic location: 1p36.12.
Variant type: single nucleotide variant.
Coding change: c.68A>C on transcript NM_001791.4 (MANE Select); coding-DNA position 68, A replaced by C.
Protein change: p.Tyr23Ser; replaces tyrosine 23 with serine.
Molecular consequence: missense variant.
Genome position (GRCh38, 1-based): chr1:22,078,546, A>C. VCF-style: chr1-22078546-A-C. GRCh37 (hg19) VCF-style: chr1-22405039-A-C.
Other names: c.68A>C, p.Tyr23Ser (NM_001039802.2, NM_044472.3); short protein forms Y23S.
Identifiers: ClinVar variation 4975779 (VCV004975779.1).